The following is an entry in ClinVar:

ClinVar aggregate classification (germline): Likely benign (1 of 4 stars; one submission).

Submission:

CeGaT Center for Human Genetics Tuebingen
Classification: Likely benign. Last evaluated: 2024-11-01. Review status: criteria provided, single submitter. Criteria: CeGaT Center For Human Genetics Tuebingen Variant Classification Criteria Version 2. Collection method: clinical testing. Allele origin: germline. Affected: yes. Observed: 3 variant alleles.
Comment: DRC3: BS2

NM_031294.4(DRC3):c.1326+15_1326+16insGGAGCATGTCGGGGAAGGGCTGGATGGAGTTGGACTGGGTGGGGAAGGGGCGGAGATGGGGCGGGGCGGGC

Gene: DRC3 (dynein regulatory complex subunit 3; plus strand). Cytogenetic location: 17p11.2.
Variant type: Microsatellite.
Coding change: c.1326+15_1326+16insGGAGCATGTCGGGGAAGGGCTGGATGGAGTTGGACTGGGTGGGGAAGGGGCGGAGATGGGGCGGGGCGGGC on transcript NM_031294.4 (MANE Select); bases 15 to 16 of the intron after coding-DNA position 1326, GGAGCATGTCGGGGAAGGGCTGGATGGAGTTGGACTGGGTGGGGAAGGGGCGGAGATGGGGCGGGGCGGGC inserted.
Molecular consequence: intron variant.
Genome position: GRCh38: chr17:18,007,151-18,007,162. GRCh37 (hg19): chr17:17,910,465-17,910,476.
Other names: c.1326+15_1326+16insGGAGCATGTCGGGGAAGGGCTGGATGGAGTTGGACTGGGTGGGGAAGGGGCGGAGATGGGGCGGGGCGGGC (NM_001130090.1, NM_001130091.2, NM_001130092.2).
Identifiers: ClinVar variation 2647536 (VCV002647536.24).